The following is an entry in ClinVar:

NM_003105.6(SORL1):c.4651+10G>A

Gene: SORL1 (sortilin related receptor 1; plus strand). Cytogenetic location: 11q24.1.
Variant type: single nucleotide variant.
Coding change: c.4651+10G>A on transcript NM_003105.6 (MANE Select); 10 bases into the intron after coding-DNA position 4651, G replaced by A.
Molecular consequence: intron variant.
Genome position (GRCh38, 1-based): chr11:121,604,334, G>A. VCF-style: chr11-121604334-G-A. GRCh37 (hg19) VCF-style: chr11-121475043-G-A.
Identifiers: ClinVar variation 781051 (VCV000781051.11), dbSNP rs77049486, ClinGen allele CA6329701.
Genomic context (GRCh38, chr11:121,604,334, plus strand): 5'-GCGACGGCTTCCTGGACTGCTCGGACGAGAGCGATGAAAAGGCCTGCAGTGGTGAGTGCC[G>A]GTCCACGGGCTGGGCTGGGCTGGGCTGGGCTGGGAGGCTCGCTTACCCCAGGGCCCCTCC-3'

ClinVar aggregate classification (germline): Benign. Review status: criteria provided, multiple submitters, no conflicts (2 of 4 stars). 3 submissions from 3 submitters: Benign (3). Last evaluated 2026-04-03.

Conditions:
SORL1-related disorder. Also called: SORL1-related condition.

Allele frequency attached by ClinVar (database versions not stated): gnomAD exomes 0.00312; ExAC 0.00406; gnomAD 0.01221; 1000 Genomes Project 0.01278; 1000 Genomes Project 30x 0.01327; TOPMed 0.01414; ESP Exome Variant Server 0.01492.
gnomAD v4.1: 3,841 of 1,612,600 alleles (0.24%); highest among the groups gnomAD compares: African/African-American, 4.4%; 75 homozygotes.

Submissions (3):

PreventionGenetics, part of Exact Sciences
Classification: Benign for SORL1-related condition. Last evaluated: 2026-04-03. Review status: criteria provided, single submitter. Criteria: ACMG Guidelines, 2015. Collection method: clinical testing. Allele origin: germline.
Comment: This variant is classified as benign based on ACMG/AMP sequence variant interpretation guidelines (Richards et al. 2015 PMID: 25741868, with internal and published modifications).

Labcorp Genetics (formerly Invitae), Labcorp
Classification: Benign. Last evaluated: 2026-01-28. Review status: criteria provided, single submitter. Criteria: Invitae Variant Classification Sherloc (09022015). Collection method: clinical testing. Allele origin: germline.

Breakthrough Genomics
Classification: Benign. Review status: criteria provided, single submitter. Criteria: ACMG Guidelines, 2015. Collection method: not provided. Allele origin: germline. Inheritance: Unknown mechanism. Affected: yes.